The following is an entry in ClinVar:

ClinVar aggregate classification (germline): Likely benign (1 of 4 stars; one submission).

Allele frequency attached by ClinVar (database versions not stated): gnomAD 0.00001; TOPMed 0.00002.

Submission:

CeGaT Center for Human Genetics Tuebingen
Classification: Likely benign. Last evaluated: 2023-01-01. Review status: criteria provided, single submitter. Criteria: CeGaT Center For Human Genetics Tuebingen Variant Classification Criteria Version 2. Collection method: clinical testing. Allele origin: germline. Affected: yes. Observed: 1 variant allele.
Comment: MAGEL2: BP4, BP7

NM_019066.5(MAGEL2):c.558G>T (p.Gly186=)

Gene: MAGEL2 (MAGE family member L2; minus strand). Cytogenetic location: 15q11.2.
Variant type: single nucleotide variant.
Coding change: c.558G>T on transcript NM_019066.5 (MANE Select); coding-DNA position 558, G replaced by T.
Protein change: p.Gly186=; no amino-acid change (glycine 186 retained).
Molecular consequence: synonymous variant.
Genome position (GRCh38, 1-based): chr15:23,647,185, C>A on the plus strand (G>T on the coding strand, the complement: MAGEL2 is on the minus strand). VCF-style: chr15-23647185-C-A. GRCh37 (hg19) VCF-style: chr15-23892332-C-A.
Identifiers: ClinVar variation 2644998 (VCV002644998.24), dbSNP rs565200766, ClinGen allele CA267661388.
Genomic context (GRCh38, chr15:23,647,185, plus strand): 5'-CCCCGGAGGGGGAGGATGAGCCATCGGTGTCCCCGGAGGGGGAGGATGAGCCATCGGGGT[C>A]CCCGGAGGAGGAGGATGCACCATCGGGGTCCCCGGAGGAGGAGGATGGGCCATCGGGGTC-3'
Protein context (NP_061939.3, residues 176-196): GTPMVHPPPP[Gly186=]TPMAHPPPPG